The following is an entry in ClinVar:

ClinVar aggregate classification (germline): Uncertain significance (1 of 4 stars; one submission).

Conditions:
Diamond-Blackfan anemia 8 (DBA8). Also called: RPS7-Related Diamond-Blackfan Anemia. Identifiers: Orphanet 124, MedGen C2675511, MONDO:0012939, OMIM 612563.

Submission:

Labcorp Genetics (formerly Invitae), Labcorp
Classification: Uncertain significance for Diamond-Blackfan anemia 8. Last evaluated: 2022-11-23. Review status: criteria provided, single submitter. Criteria: Invitae Variant Classification Sherloc (09022015). Collection method: clinical testing. Allele origin: germline.
Comment: This sequence change affects codon 68 of the RPS7 mRNA. It is a 'silent' change, meaning that it does not change the encoded amino acid sequence of the RPS7 protein. This variant is not present in population databases (gnomAD no frequency). This variant has not been reported in the literature in individuals affected with RPS7-related conditions. Algorithms developed to predict the effect of sequence changes on RNA splicing suggest that this variant may disrupt the consensus splice site. In summary, the available evidence is currently insufficient to determine the role of this variant in disease. Therefore, it has been classified as a Variant of Uncertain Significance.

NM_001011.4(RPS7):c.204A>G (p.Gln68=)

Gene: RPS7 (ribosomal protein S7; plus strand). Cytogenetic location: 2p25.3.
Variant type: single nucleotide variant.
Coding change: c.204A>G on transcript NM_001011.4 (MANE Select); coding-DNA position 204, A replaced by G.
Protein change: p.Gln68=; no amino-acid change (glutamine 68 retained).
Molecular consequence: synonymous variant.
Genome position (GRCh38, 1-based): chr2:3,576,543, A>G. VCF-style: chr2-3576543-A-G. GRCh37 (hg19) VCF-style: chr2-3624133-A-G.
Identifiers: ClinVar variation 2742024 (VCV002742024.3), dbSNP rs1661284278, ClinGen allele CA424603502.